The following is an entry in ClinVar:

NM_001323289.2(CDKL5):c.308del (p.Met103fs)

Gene: CDKL5 (cyclin dependent kinase like 5; plus strand). Cytogenetic location: Xp22.13.
Variant type: Deletion.
Coding change: c.308del on transcript NM_001323289.2 (MANE Select); coding-DNA position 308, one base deleted (T; older notation c.308delT).
Protein change: p.Met103fs; shifts the reading frame from methionine 103.
Molecular consequence: frameshift variant.
Genome position (GRCh38, 1-based): chrX:18,579,873, T deleted. VCF-style (leftmost placement, unchanged base first): chrX-18579872-AT-A. GRCh37 (hg19) VCF-style: chrX-18597992-AT-A.
Other names: c.308del, p.Met103fs (NM_001037343.2, NM_003159.3); short protein forms M103fs.
Identifiers: ClinVar variation 1456413 (VCV001456413.6), dbSNP rs2147142599, ClinGen allele CA2573158448.

ClinVar aggregate classification (germline): Pathogenic (1 of 4 stars; one submission).

Conditions:
Angelman syndrome-like. Identifiers: MedGen CN128785.
Developmental and epileptic encephalopathy, 2 (DEE2). Also called: INFANTILE SPASM SYNDROME, X-LINKED 2; CDKL5 deficiency disorder. Identifiers: Orphanet 1934, Orphanet 3451, Orphanet 505652, MedGen C4750718, MONDO:0010396, OMIM 300672.

Submission:

Labcorp Genetics (formerly Invitae), Labcorp
Classification: Pathogenic for Developmental and epileptic encephalopathy, 2; Angelman syndrome-like. Last evaluated: 2022-02-09. Review status: criteria provided, single submitter. Criteria: Invitae Variant Classification Sherloc (09022015). Collection method: clinical testing. Allele origin: germline.
Comment: For these reasons, this variant has been classified as Pathogenic. This variant has not been reported in the literature in individuals affected with CDKL5-related conditions. This variant is not present in population databases (gnomAD no frequency). This sequence change creates a premature translational stop signal (p.Met103Serfs*10) in the CDKL5 gene. It is expected to result in an absent or disrupted protein product. Loss-of-function variants in CDKL5 are known to be pathogenic (PMID: 22872100).

Literature cited by the submitters: PubMed 22872100.